The following is an entry in ClinVar:

NM_005732.4(RAD50):c.3304G>C (p.Glu1102Gln)

Gene: RAD50 (RAD50 double strand break repair protein; plus strand). Cytogenetic location: 5q31.1.
Variant type: single nucleotide variant.
Coding change: c.3304G>C on transcript NM_005732.4 (MANE Select); coding-DNA position 3304, G replaced by C.
Protein change: p.Glu1102Gln; replaces glutamic acid 1102 with glutamine.
Molecular consequence: missense variant.
Genome position (GRCh38, 1-based): chr5:132,618,209, G>C. VCF-style: chr5-132618209-G-C. GRCh37 (hg19) VCF-style: chr5-131953901-G-C.
Other names: short protein forms E1102Q.
Identifiers: ClinVar variation 1730013 (VCV001730013.2), dbSNP rs1554099877, ClinGen allele CA360964782.

ClinVar aggregate classification (germline): Uncertain significance (1 of 4 stars; one submission).

Conditions:
Hereditary cancer-predisposing syndrome. Also called: Neoplastic Syndromes, Hereditary; Tumor predisposition; Hereditary Cancer Syndrome; Hereditary neoplastic syndrome. Identifiers: Orphanet 140162, MedGen C0027672, MeSH D009386, MONDO:0015356.

Submission:

Ambry Genetics
Classification: Uncertain significance for Hereditary cancer-predisposing syndrome. Last evaluated: 2021-08-29. Review status: criteria provided, single submitter. Criteria: Ambry Variant Classification Scheme 2023. Collection method: clinical testing. Allele origin: germline.
Comment: The p.E1102Q variant (also known as c.3304G>C), located in coding exon 21 of the RAD50 gene, results from a G to C substitution at nucleotide position 3304. The glutamic acid at codon 1102 is replaced by glutamine, an amino acid with highly similar properties. This amino acid position is conserved. In addition, the in silico prediction for this alteration is inconclusive. Since supporting evidence is limited at this time, the clinical significance of this alteration remains unclear.